The following is an entry in ClinVar:

NM_001042492.3(NF1):c.2002-10T>A

Gene: NF1 (neurofibromin 1; plus strand). Cytogenetic location: 17q11.2.
Variant type: single nucleotide variant.
Coding change: c.2002-10T>A on transcript NM_001042492.3 (MANE Select); 10 bases into the intron before coding-DNA position 2002, T replaced by A.
Molecular consequence: intron variant.
Genome position (GRCh38, 1-based): chr17:31,226,425, T>A. VCF-style: chr17-31226425-T-A. GRCh37 (hg19) VCF-style: chr17-29553443-T-A.
Other names: c.2002-10T>A (NM_000267.4).
Identifiers: ClinVar variation 1929501 (VCV001929501.5), dbSNP rs2151425479, ClinGen allele CA2580093124.
Genomic context (GRCh38, chr17:31,226,425, plus strand): 5'-TTGCATTGTTAGATTTTATACATAAAATTACCCAAGTTGCAAATATATGTCTTCCACCCT[T>A]GACTCTCAGGATAGTGCAGCAGGATGCAGCGGAACCCCCCCGATTTGCCGACAAGCCCAG-3'

ClinVar aggregate classification (germline): Pathogenic (1 of 4 stars; one submission).

Conditions:
Neurofibromatosis, type 1 (NF1). Also called: Peripheral type neurofibromatosis; Neurofibromatosis, type I; NEUROFIBROMATOSIS, TYPE I, SOMATIC; VON RECKLINGHAUSEN DISEASE. Identifiers: Orphanet 636, MedGen C0027831, MONDO:0018975, OMIM 162200. Disease mechanism: loss of function.

Submission:

Labcorp Genetics (formerly Invitae), Labcorp
Classification: Pathogenic for Neurofibromatosis, type 1. Last evaluated: 2022-10-13. Review status: criteria provided, single submitter. Criteria: Invitae Variant Classification Sherloc (09022015). Collection method: clinical testing. Allele origin: germline.
Comment: This variant is not present in population databases (gnomAD no frequency). This sequence change falls in intron 17 of the NF1 gene. It does not directly change the encoded amino acid sequence of the NF1 protein. This variant has been observed in individual(s) with clinical features of neurofibromatosis, type 1 (PMID: 31370276; Invitae). In at least one individual the variant was observed to be de novo. For these reasons, this variant has been classified as Pathogenic. Algorithms developed to predict the effect of sequence changes on RNA splicing suggest that this variant may disrupt the consensus splice site.

Literature cited by the submitters: PubMed 31370276.